The following is an entry in ClinVar:

NM_020812.4(DOCK6):c.520C>T (p.Arg174Cys)

Gene: DOCK6 (dedicator of cytokinesis 6; minus strand). Cytogenetic location: 19p13.2.
Variant type: single nucleotide variant.
Coding change: c.520C>T on transcript NM_020812.4 (MANE Select); coding-DNA position 520, C replaced by T.
Protein change: p.Arg174Cys; replaces arginine 174 with cysteine.
Molecular consequence: missense variant.
Genome position (GRCh38, 1-based): chr19:11,251,074, G>A on the plus strand (C>T on the coding strand, the complement: DOCK6 is on the minus strand). VCF-style: chr19-11251074-G-A. GRCh37 (hg19) VCF-style: chr19-11361750-G-A.
Other names: c.520C>T, p.Arg174Cys (NM_001367830.1); c.520C>T (NM_020812.3, NM_020812.2); short protein forms R174C.
Identifiers: ClinVar variation 2179862 (VCV002179862.4), dbSNP rs536817277, ClinGen allele CA9208451.

ClinVar aggregate classification (germline): Uncertain significance. Review status: criteria provided, multiple submitters, no conflicts (2 of 4 stars). 3 submissions from 3 submitters: Uncertain significance (3). Last evaluated 2024-10-26.

Conditions:
DOCK6-related disorder. Also called: DOCK6-related condition.
Inborn genetic diseases. Identifiers: MedGen C0950123, MeSH D030342.

Allele frequency attached by ClinVar (database versions not stated): ExAC 0.00002; gnomAD 0.00002; TOPMed 0.00002; 1000 Genomes Project 30x 0.00016; 1000 Genomes Project 0.00020.

Submissions (3):

Ambry Genetics
Classification: Uncertain significance for Inborn genetic diseases. Last evaluated: 2024-10-26. Review status: criteria provided, single submitter. Criteria: Ambry Variant Classification Scheme 2023. Collection method: clinical testing. Allele origin: germline.

Labcorp Genetics (formerly Invitae), Labcorp
Classification: Uncertain significance. Last evaluated: 2024-10-21. Review status: criteria provided, single submitter. Criteria: Invitae Variant Classification Sherloc (09022015). Collection method: clinical testing. Allele origin: germline.
Comment: This sequence change replaces arginine, which is basic and polar, with cysteine, which is neutral and slightly polar, at codon 174 of the DOCK6 protein (p.Arg174Cys). This variant is present in population databases (rs536817277, gnomAD 0.01%). This variant has not been reported in the literature in individuals affected with DOCK6-related conditions. ClinVar contains an entry for this variant (Variation ID: 2179862). Invitae Evidence Modeling of protein sequence and biophysical properties (such as structural, functional, and spatial information, amino acid conservation, physicochemical variation, residue mobility, and thermodynamic stability) indicates that this missense variant is not expected to disrupt DOCK6 protein function with a negative predictive value of 80%. In summary, the available evidence is currently insufficient to determine the role of this variant in disease. Therefore, it has been classified as a Variant of Uncertain Significance.

PreventionGenetics, part of Exact Sciences
Classification: Uncertain significance for DOCK6-related condition. Last evaluated: 2023-01-24. Review status: criteria provided, single submitter. Criteria: ACMG Guidelines, 2015. Collection method: clinical testing. Allele origin: germline.
Comment: The DOCK6 c.520C>T variant is predicted to result in the amino acid substitution p.Arg174Cys. To our knowledge, this variant has not been reported in the literature. This variant is reported in 0.012% of alleles in individuals of Latino descent in gnomAD. At this time, the clinical significance of this variant is uncertain due to the absence of conclusive functional and genetic evidence.